The following is an entry in ClinVar:

NM_170707.4(LMNA):c.887G>C (p.Arg296Pro)

Gene: LMNA (lamin A/C; plus strand). Cytogenetic location: 1q22.
Variant type: single nucleotide variant.
Coding change: c.887G>C on transcript NM_170707.4 (MANE Select); coding-DNA position 887, G replaced by C.
Protein change: p.Arg296Pro; replaces arginine 296 with proline.
Molecular consequence: missense variant.
Genome position (GRCh38, 1-based): chr1:156,135,263, G>C. VCF-style: chr1-156135263-G-C. GRCh37 (hg19) VCF-style: chr1-156105054-G-C.
Other names: c.551G>C, p.Arg184Pro (NM_001257374.3); c.644G>C, p.Arg215Pro (NM_001282624.2); c.887G>C, p.Arg296Pro (NM_001282625.2, NM_001282626.2, NM_005572.4 and 1 more transcripts); short protein forms R215P, R184P, R296P.
Identifiers: ClinVar variation 942316 (VCV000942316.9), dbSNP rs1024051591, ClinGen allele CA342817767.

ClinVar aggregate classification (germline): Uncertain significance (1 of 4 stars; one submission).

Conditions:
Charcot-Marie-Tooth disease type 2. Also called: Charcot-Marie-Tooth type 2. Identifiers: Orphanet 64746, MedGen C0270914, MONDO:0018993.

Submission:

Labcorp Genetics (formerly Invitae), Labcorp
Classification: Uncertain significance for Charcot-Marie-Tooth disease type 2. Last evaluated: 2019-09-18. Review status: criteria provided, single submitter. Criteria: Invitae Variant Classification Sherloc (09022015). Collection method: clinical testing. Allele origin: germline.
Comment: This variant is not present in population databases (ExAC no frequency). This sequence change replaces arginine with proline at codon 296 of the LMNA protein (p.Arg296Pro). The arginine residue is highly conserved and there is a moderate physicochemical difference between arginine and proline. This variant has not been reported in the literature in individuals with LMNA-related conditions. In summary, the available evidence is currently insufficient to determine the role of this variant in disease. Therefore, it has been classified as a Variant of Uncertain Significance. Algorithms developed to predict the effect of missense changes on protein structure and function (SIFT, PolyPhen-2, Align-GVGD) all suggest that this variant is likely to be disruptive, but these predictions have not been confirmed by published functional studies and their clinical significance is uncertain.